The following is an entry in ClinVar:

NC_000003.12:g.169765305C>T

Genes: TERC (telomerase RNA component; minus strand), LOC110806306 (telomerase RNA component (TERC) promoter; plus strand). Cytogenetic location: 3q26.2.
Variant type: single nucleotide variant.
Genome position: GRCh38 VCF-style: chr3-169765305-C-T. GRCh37 (hg19) VCF-style: chr3-169483093-C-T.
Identifiers: ClinVar variation 1186345 (VCV001186345.9), dbSNP rs116780570, ClinGen allele CA87625118.
Genomic context (GRCh38, chr3:169,765,305, plus strand): 5'-GCTTTGCGTCTTTACTTCCGACCTTCTTTAAAGGTGAAACTAACTTGAGGTATCAGAGGG[C>T]CTTTTTTCTATCCTCTGCAGACCAGACGCGGTTCACCTCGACTACCTTAAAAATGGAATT-3'

ClinVar aggregate classification (germline): Benign/Likely benign. Review status: criteria provided, multiple submitters, no conflicts (2 of 4 stars). 4 submissions from 4 submitters: Benign (1); Likely benign (2). 1 of the submissions does not count toward it. Last evaluated 2024-11-15.

Conditions:
TERC-related disorder. Also called: TERC-related condition.

Allele frequency attached by ClinVar (database versions not stated): gnomAD exomes 0.00066; TOPMed 0.00614; 1000 Genomes Project 30x 0.00718; 1000 Genomes Project 0.00619.

Submissions (4):

Blueprint Genetics
Classification: Likely benign. Last evaluated: 2024-11-15. Review status: criteria provided, single submitter. Criteria: ACMG Guidelines, 2015. Collection method: clinical testing. Allele origin: germline.

GeneDx
Classification: Likely benign. Last evaluated: 2019-03-29. Review status: criteria provided, single submitter. Criteria: GeneDx Variant Classification Process June 2021. Collection method: clinical testing. Allele origin: germline. Affected: yes.

Genetic Services Laboratory, University of Chicago
Classification: Benign. Last evaluated: 2018-08-23. Review status: criteria provided, single submitter. Criteria: ACMG Guidelines, 2015. Collection method: clinical testing. Allele origin: germline. Affected: no.

PreventionGenetics, part of Exact Sciences
Classification: Benign for TERC-related condition. Last evaluated: 2022-08-01. Review status: no assertion criteria provided. Collection method: clinical testing. Allele origin: germline. Not counted in ClinVar's aggregate classification.
Comment: This variant is classified as benign based on ACMG/AMP sequence variant interpretation guidelines (Richards et al. 2015 PMID: 25741868, with internal and published modifications).